The following is an entry in ClinVar:

NM_000051.4(ATM):c.1183G>A (p.Val395Ile)

Gene: ATM (ATM serine/threonine kinase; plus strand). Cytogenetic location: 11q22.3.
Variant type: single nucleotide variant.
Coding change: c.1183G>A on transcript NM_000051.4 (MANE Select); coding-DNA position 1183, G replaced by A.
Protein change: p.Val395Ile; replaces valine 395 with isoleucine.
Molecular consequence: missense variant.
Genome position (GRCh38, 1-based): chr11:108,249,050, G>A. VCF-style: chr11-108249050-G-A. GRCh37 (hg19) VCF-style: chr11-108119777-G-A.
Other names: c.1183G>A, p.Val395Ile (NM_001351834.2); short protein forms V395I.
Identifiers: ClinVar variation 1742827 (VCV001742827.2), dbSNP rs2135294163, ClinGen allele CA382532552.
Genomic context (GRCh38, chr11:108,249,050, plus strand): 5'-AGAGAATCTAGTGATTACAGTGTCCCTTGCAAAAGGAAGAAAATAGAACTAGGCTGGGAA[G>A]TAATAAAAGATCACCTTCAGAAGTCACAGAATGATTTTGATCTTGTGCCTTGGTAAAGTG-3'
Protein context (NP_000042.3, residues 385-405): KRKKIELGWE[Val395Ile]IKDHLQKSQN

ClinVar aggregate classification (germline): Uncertain significance (1 of 4 stars; one submission).

Conditions:
Hereditary cancer-predisposing syndrome. Also called: Hereditary Cancer Syndrome; Hereditary neoplastic syndrome; Neoplastic Syndromes, Hereditary; Tumor predisposition. Identifiers: Orphanet 140162, MedGen C0027672, MeSH D009386, MONDO:0015356.

Submission:

Ambry Genetics
Classification: Uncertain significance for Hereditary cancer-predisposing syndrome. Last evaluated: 2020-09-30. Review status: criteria provided, single submitter. Criteria: Ambry Variant Classification Scheme 2023. Collection method: clinical testing. Allele origin: germline.
Comment: The p.V395I variant (also known as c.1183G>A), located in coding exon 8 of the ATM gene, results from a G to A substitution at nucleotide position 1183. The valine at codon 395 is replaced by isoleucine, an amino acid with highly similar properties. This amino acid position is well conserved in available vertebrate species. In addition, this alteration is predicted to be tolerated by in silico analysis. Since supporting evidence is limited at this time, the clinical significance of this alteration remains unclear.